The following is an entry in ClinVar:

ClinVar aggregate classification (germline): Uncertain significance. Review status: criteria provided, multiple submitters, no conflicts (2 of 4 stars). 2 submissions from 2 submitters: Uncertain significance (2). Last evaluated 2026-07-06.

Conditions:
Hereditary cancer-predisposing syndrome. Also called: Tumor predisposition; Hereditary Cancer Syndrome; Hereditary neoplastic syndrome; Neoplastic Syndromes, Hereditary. Identifiers: Orphanet 140162, MedGen C0027672, MeSH D009386, MONDO:0015356.

gnomAD v4.1: 2 of 1,614,092 alleles (0.00012%); highest among the groups gnomAD compares: Non-Finnish European, 0.000085%; no homozygotes.

Submissions (2):

Ambry Genetics
Classification: Uncertain significance for Hereditary cancer-predisposing syndrome. Last evaluated: 2026-07-06. Review status: criteria provided, single submitter. Criteria: Ambry Variant Classification Scheme 2023. Collection method: clinical testing. Allele origin: germline.
Comment: The p.M405I variant (also known as c.1215G>A), located in coding exon 12 of the POLE gene, results from a G to A substitution at nucleotide position 1215. The methionine at codon 405 is replaced by isoleucine, an amino acid with highly similar properties. This amino acid position is conserved. In addition, the in silico prediction for this alteration is inconclusive. Based on the available evidence, the clinical significance of this variant remains unclear.

Labcorp Genetics (formerly Invitae), Labcorp
Classification: Uncertain significance. Last evaluated: 2024-09-16. Review status: criteria provided, single submitter. Criteria: Invitae Variant Classification Sherloc (09022015). Collection method: clinical testing. Allele origin: germline.
Comment: This sequence change replaces methionine, which is neutral and non-polar, with isoleucine, which is neutral and non-polar, at codon 405 of the POLE protein (p.Met405Ile). This variant is not present in population databases (gnomAD no frequency). This variant has not been reported in the literature in individuals affected with POLE-related conditions. ClinVar contains an entry for this variant (Variation ID: 1062188). Invitae Evidence Modeling of protein sequence and biophysical properties (such as structural, functional, and spatial information, amino acid conservation, physicochemical variation, residue mobility, and thermodynamic stability) indicates that this missense variant is not expected to disrupt POLE protein function with a negative predictive value of 80%. In summary, the available evidence is currently insufficient to determine the role of this variant in disease. Therefore, it has been classified as a Variant of Uncertain Significance.

NM_006231.4(POLE):c.1215G>A (p.Met405Ile)

Gene: POLE (DNA polymerase epsilon, catalytic subunit; minus strand). Cytogenetic location: 12q24.33.
Variant type: single nucleotide variant.
Coding change: c.1215G>A on transcript NM_006231.4 (MANE Select); coding-DNA position 1215, G replaced by A.
Protein change: p.Met405Ile; replaces methionine 405 with isoleucine.
Molecular consequence: missense variant.
Genome position (GRCh38, 1-based): chr12:132,675,409, C>T on the plus strand (G>A on the coding strand, the complement: POLE is on the minus strand). VCF-style: chr12-132675409-C-T. GRCh37 (hg19) VCF-style: chr12-133251995-C-T.
Other names: c.1215G>A (NM_006231.2); short protein forms M405I.
Identifiers: ClinVar variation 1062188 (VCV001062188.10), dbSNP rs1060500847, ClinGen allele CA387360702.
Genomic context (GRCh38, chr12:132,675,409, plus strand): 5'-TCTCGCTCACGGACAGCAGTGAGGAGCCATGCTGCTCTGTGGCCCCTACCTGAGGCAGTC[C>T]ATGTGGATGCACTGGGGCGCCTTGTACTCCCCCTGGCTGTCCTTCTGGAAGCCTATCTCC-3'
Protein context (NP_006222.2, residues 395-415): GEYKAPQCIH[Met405Ile]DCLRWVKRDS